The following is an entry in ClinVar:

NM_032228.6(FAR1):c.286G>C (p.Glu96Gln)

Gene: FAR1 (fatty acyl-CoA reductase 1; plus strand). Cytogenetic location: 11p15.3.
Variant type: single nucleotide variant.
Coding change: c.286G>C on transcript NM_032228.6 (MANE Select); coding-DNA position 286, G replaced by C.
Protein change: p.Glu96Gln; replaces glutamic acid 96 with glutamine.
Molecular consequence: missense variant.
Genome position (GRCh38, 1-based): chr11:13,700,413, G>C. VCF-style: chr11-13700413-G-C. GRCh37 (hg19) VCF-style: chr11-13721960-G-C.
Other names: c.286G>C (NM_032228.5); short protein forms E96Q.
Identifiers: ClinVar variation 1356945 (VCV001356945.9), dbSNP rs12793516, ClinGen allele CA5893287.

ClinVar aggregate classification (germline): Conflicting classifications of pathogenicity. Review status: criteria provided, conflicting classifications (1 of 4 stars). 3 submissions from 3 submitters: Uncertain significance (2); Likely benign (1). Last evaluated 2025-07-02.

Conditions:
Inborn genetic diseases. Identifiers: MedGen C0950123, MeSH D030342.

gnomAD v4.1: 154 of 1,600,016 alleles (0.0096%); highest among the groups gnomAD compares: Non-Finnish European, 0.012%; no homozygotes.

Submissions (3):

Labcorp Genetics (formerly Invitae), Labcorp
Classification: Uncertain significance. Last evaluated: 2025-07-02. Review status: criteria provided, single submitter. Criteria: Invitae Variant Classification Sherloc (09022015). Collection method: clinical testing. Allele origin: germline.
Comment: This sequence change replaces glutamic acid, which is acidic and polar, with glutamine, which is neutral and polar, at codon 96 of the FAR1 protein (p.Glu96Gln). This variant is present in population databases (rs12793516, gnomAD 0.009%). This variant has not been reported in the literature in individuals affected with FAR1-related conditions. ClinVar contains an entry for this variant (Variation ID: 1356945). Invitae Evidence Modeling of protein sequence and biophysical properties (such as structural, functional, and spatial information, amino acid conservation, physicochemical variation, residue mobility, and thermodynamic stability) indicates that this missense variant is not expected to disrupt FAR1 protein function with a negative predictive value of 80%. In summary, the available evidence is currently insufficient to determine the role of this variant in disease. Therefore, it has been classified as a Variant of Uncertain Significance.

Ambry Genetics
Classification: Likely benign for Inborn genetic diseases. Last evaluated: 2025-01-15. Review status: criteria provided, single submitter. Criteria: Ambry Variant Classification Scheme 2023. Collection method: clinical testing. Allele origin: germline.

Blueprint Genetics
Classification: Uncertain significance. Last evaluated: 2024-03-08. Review status: criteria provided, single submitter. Criteria: ACMG Guidelines, 2015. Collection method: clinical testing. Allele origin: germline.